The following is an entry in ClinVar:

ClinVar aggregate classification (germline): Likely benign (1 of 4 stars; one submission).

Allele frequency attached by ClinVar (database versions not stated): 1000 Genomes Project 30x 0.00234; 1000 Genomes Project 0.00280; ESP Exome Variant Server 0.00309; TOPMed 0.00311; gnomAD 0.00350; ExAC 0.00497; gnomAD exomes 0.00557.
gnomAD v4.1: 8,569 of 1,611,700 alleles (0.53%); highest among the groups gnomAD compares: Middle Eastern, 1.5%; 32 homozygotes.

Submission:

CeGaT Center for Human Genetics Tuebingen
Classification: Likely benign. Last evaluated: 2023-07-01. Review status: criteria provided, single submitter. Criteria: CeGaT Center For Human Genetics Tuebingen Variant Classification Criteria Version 2. Collection method: clinical testing. Allele origin: germline. Affected: yes. Observed: 2 variant alleles.
Comment: FAM222A: BP4, BP7, BS2

NM_032829.3(FAM222A):c.1312C>T (p.Leu438=)

Genes: FAM222A (family with sequence similarity 222 member A; plus strand), FAM222A-AS1 (FAM222A antisense RNA 1; minus strand). Cytogenetic location: 12q24.11.
Variant type: single nucleotide variant.
Coding change: c.1312C>T on transcript NM_032829.3 (MANE Select); coding-DNA position 1312, C replaced by T.
Protein change: p.Leu438=; no amino-acid change (leucine 438 retained).
Molecular consequence: synonymous variant.
Genome position (GRCh38, 1-based): chr12:109,769,241, C>T. VCF-style: chr12-109769241-C-T. GRCh37 (hg19) VCF-style: chr12-110207046-C-T.
Identifiers: ClinVar variation 2643282 (VCV002643282.24), dbSNP rs142286258, ClinGen allele CA6779803.